The following is an entry in ClinVar:

NM_000059.4(BRCA2):c.5350_5353del (p.Asn1784fs)

Gene: BRCA2 (BRCA2 DNA repair associated; plus strand). Cytogenetic location: 13q13.1.
Variant type: Deletion.
Coding change: c.5350_5353del on transcript NM_000059.4 (MANE Select); coding-DNA positions 5350 to 5353, 4 bases deleted (AACA; older notation c.5350_5353delAACA).
Protein change: p.Asn1784fs; shifts the reading frame from asparagine 1784.
Molecular consequence: frameshift variant.
Genome position (GRCh38, 1-based): chr13:32,339,705-32,339,708, AACA deleted; deleting any 4 consecutive bases within chr13:32,339,704-32,339,708 gives the same sequence; the c. name uses the placement nearest the transcript's 3' end. VCF-style (leftmost placement, unchanged base first): chr13-32339703-AAAAC-A. GRCh37 (hg19) VCF-style: chr13-32913840-AAAAC-A.
Other names: short protein forms N1784fs.
Identifiers: ClinVar variation 834948 (VCV000834948.8), dbSNP rs2072527384, ClinGen allele CA916079956.

ClinVar aggregate classification (germline): Pathogenic (1 of 4 stars; one submission).

Conditions:
Hereditary breast ovarian cancer syndrome. Also called: Hereditary breast and ovarian cancer syndrome; Breast and ovarian cancer; BRCA1- and BRCA2-Associated Hereditary Breast and Ovarian Cancer; Hereditary breast and ovarian cancer; Hereditary breast and/or ovarian cancer syndrome; Hereditary breast and ovarian cancer syndrome (HBOC). Identifiers: Orphanet 145, MedGen C0677776, MeSH D061325, MONDO:0003582. Disease mechanism: loss of function.

Submission:

Labcorp Genetics (formerly Invitae), Labcorp
Classification: Pathogenic for Hereditary breast ovarian cancer syndrome. Last evaluated: 2019-05-29. Review status: criteria provided, single submitter. Criteria: Invitae Variant Classification Sherloc (09022015). Collection method: clinical testing. Allele origin: germline.
Comment: For these reasons, this variant has been classified as Pathogenic. Loss-of-function variants in BRCA2 are known to be pathogenic (PMID: 20104584). This variant has not been reported in the literature in individuals with BRCA2-related conditions. This variant is not present in population databases (ExAC no frequency). This sequence change creates a premature translational stop signal (p.Asn1784Leufs*6) in the BRCA2 gene. It is expected to result in an absent or disrupted protein product.

Literature cited by the submitters: PubMed 20104584.